The following is an entry in ClinVar:

ClinVar aggregate classification (germline): Uncertain significance (1 of 4 stars; one submission).

Allele frequency attached by ClinVar (database versions not stated): gnomAD exomes below 0.00001.
gnomAD v4.1: 1 of 1,611,928 alleles (0.000062%); highest among the groups gnomAD compares: Non-Finnish European, 0.000085%; no homozygotes.

Submission:

GeneDx
Classification: Uncertain significance. Last evaluated: 2025-07-06. Review status: criteria provided, single submitter. Criteria: GeneDx Variant Classification Process June 2021. Collection method: clinical testing. Allele origin: germline. Affected: yes.
Comment: Not observed at significant frequency in large population cohorts (gnomAD); In silico analysis supports a deleterious effect on splicing; In silico analysis supports that this missense variant has a deleterious effect on protein structure/function; Has not been previously published as pathogenic or benign to our knowledge

NM_001346249.2(RALGAPA1):c.1010A>G (p.Gln337Arg)

Gene: RALGAPA1 (Ral GTPase activating protein catalytic subunit alpha 1; minus strand). Cytogenetic location: 14q13.2.
Variant type: single nucleotide variant.
Coding change: c.1010A>G on transcript NM_001346249.2 (MANE Select); coding-DNA position 1010, A replaced by G.
Protein change: p.Gln337Arg; replaces glutamine 337 with arginine.
Molecular consequence: missense variant.
Genome position (GRCh38, 1-based): chr14:35,750,483, T>C on the plus strand (A>G on the coding strand, the complement: RALGAPA1 is on the minus strand). VCF-style: chr14-35750483-T-C. GRCh37 (hg19) VCF-style: chr14-36219689-T-C.
Other names: c.1010A>G, p.Gln337Arg (NM_001283043.3, NM_001283044.3, NM_001330075.3 and 7 more transcripts); short protein forms Q337R.
Identifiers: ClinVar variation 1703925 (VCV001703925.3), dbSNP rs2550668909, ClinGen allele CA389501750.